The following is an entry in ClinVar:

NM_015910.7(WDPCP):c.1485C>T (p.Tyr495=)

Gene: WDPCP (WD repeat containing planar cell polarity effector; minus strand). Cytogenetic location: 2p15.
Variant type: single nucleotide variant.
Coding change: c.1485C>T on transcript NM_015910.7 (MANE Select); coding-DNA position 1485, C replaced by T.
Protein change: p.Tyr495=; no amino-acid change (tyrosine 495 retained).
Molecular consequence: synonymous variant. On other transcripts: non-coding transcript variant (3).
Genome position (GRCh38, 1-based): chr2:63,382,045, G>A on the plus strand (C>T on the coding strand, the complement: WDPCP is on the minus strand). VCF-style: chr2-63382045-G-A. GRCh37 (hg19) VCF-style: chr2-63609180-G-A.
Other names: c.1008C>T, p.Tyr336= (NM_001042692.3); c.1413C>T, p.Tyr471= (NM_001354044.2); c.1485C>T, p.Tyr495= (NM_001354045.2).
Identifiers: ClinVar variation 3349181 (VCV003349181.2).

ClinVar aggregate classification (germline): Likely benign. Review status: criteria provided, single submitter (1 of 4 stars). 2 submissions from 2 submitters: Likely benign (1). 1 of the submissions does not count toward it. Last evaluated 2025-12-23.

Conditions:
WDPCP-related disorder. Also called: WDPCP-related condition.
Bardet-Biedl syndrome (BBS). Identifiers: Orphanet 110, MedGen C0752166, MONDO:0015229.

gnomAD v4.1: 2 of 1,613,250 alleles (0.00012%); highest among the groups gnomAD compares: Non-Finnish European, 0.00017%; no homozygotes.

Submissions (2):

Labcorp Genetics (formerly Invitae), Labcorp
Classification: Likely benign for Bardet-Biedl syndrome. Last evaluated: 2025-12-23. Review status: criteria provided, single submitter. Criteria: Invitae Variant Classification Sherloc (09022015). Collection method: clinical testing. Allele origin: germline.

PreventionGenetics, part of Exact Sciences
Classification: Likely benign for WDPCP-related condition. Last evaluated: 2024-03-12. Review status: no assertion criteria provided. Collection method: clinical testing. Allele origin: germline. Not counted in ClinVar's aggregate classification.
Comment: This variant is classified as likely benign based on ACMG/AMP sequence variant interpretation guidelines (Richards et al. 2015 PMID: 25741868, with internal and published modifications).